The following is an entry in ClinVar:

ClinVar aggregate classification (germline): Uncertain significance (1 of 4 stars; one submission).

gnomAD v4.1: 3 of 1,605,890 alleles (0.00019%); highest among the groups gnomAD compares: Non-Finnish European, 0.00026%; no homozygotes.

Submission:

Labcorp Genetics (formerly Invitae), Labcorp
Classification: Uncertain significance. Last evaluated: 2025-09-13. Review status: criteria provided, single submitter. Criteria: Invitae Variant Classification Sherloc (09022015). Collection method: clinical testing. Allele origin: germline.
Comment: This sequence change replaces alanine, which is neutral and non-polar, with serine, which is neutral and polar, at codon 296 of the ZIC4 protein (p.Ala296Ser). This variant is not present in population databases (gnomAD no frequency). This variant has not been reported in the literature in individuals affected with ZIC4-related conditions. An algorithm developed to predict the effect of missense changes on protein structure and function (PolyPhen-2) suggests that this variant is likely to be disruptive. In summary, the available evidence is currently insufficient to determine the role of this variant in disease. Therefore, it has been classified as a Variant of Uncertain Significance.

NM_032153.6(ZIC4):c.736G>T (p.Ala246Ser)

Gene: ZIC4 (Zic family zinc finger 4; minus strand). Cytogenetic location: 3q24.
Variant type: single nucleotide variant.
Coding change: c.736G>T on transcript NM_032153.6 (MANE Select); coding-DNA position 736, G replaced by T.
Protein change: p.Ala246Ser; replaces alanine 246 with serine.
Molecular consequence: missense variant. On other transcripts: non-coding transcript variant (3).
Genome position (GRCh38, 1-based): chr3:147,391,199, C>A on the plus strand (G>T on the coding strand, the complement: ZIC4 is on the minus strand). VCF-style: chr3-147391199-C-A. GRCh37 (hg19) VCF-style: chr3-147108986-C-A.
Other names: c.886G>T, p.Ala296Ser (NM_001168378.1); c.850G>T, p.Ala284Ser (NM_001168379.2); c.118G>T, p.Ala40Ser (NM_001243256.2); short protein forms A40S, A246S, A284S, A296S.
Identifiers: ClinVar variation 4763411 (VCV004763411.1).